The following continues an entry in ClinVar:

NM_058216.3(RAD51C):c.93del (p.Phe32fs)

Gene: RAD51C. ClinVar aggregate classification (germline): Pathogenic/Likely pathogenic. Pathogenic (15); Likely pathogenic (1).

Submissions 11 to 20 of 20:

GeneDx
Classification: Pathogenic. Last evaluated: 2023-05-01. Review status: criteria provided, single submitter. Criteria: GeneDx Variant Classification Process June 2021. Collection method: clinical testing. Allele origin: germline. Affected: yes.
Comment: Frameshift variant predicted to result in protein truncation or nonsense mediated decay in a gene for which loss of function is a known mechanism of disease; This variant is associated with the following publications: (PMID: 23176254, 27806231, 25470109, 28152038, 21616938, 23117857, 24800917, 27433846, 26681312, 28874143, 28802053, 26556299, 26689913, 32107557, 34923718, 35053526, 35626031, 29922827, 28888541)

Myriad Genetics, Inc.
Classification: Pathogenic for Breast-ovarian cancer, familial, susceptibility to, 3. Last evaluated: 2023-04-05. Review status: criteria provided, single submitter. Criteria: Myriad Autosomal Dominant, Autosomal Recessive and X-Linked Classification Criteria (2023). Collection method: clinical testing. Allele origin: unknown.
Comment: This variant is considered pathogenic. This variant creates a frameshift predicted to result in premature protein truncation.

Department of Pathology and Laboratory Medicine, Sinai Health System
Classification: Pathogenic for Breast-ovarian cancer, familial, susceptibility to, 3. Last evaluated: 2023-03-27. Review status: criteria provided, single submitter. Criteria: ACMG Guidelines, 2015. Collection method: clinical testing. Allele origin: germline. Affected: yes.

Sema4
Classification: Pathogenic for Hereditary cancer-predisposing syndrome. Last evaluated: 2022-01-27. Review status: criteria provided, single submitter. Criteria: Sema4 Curation Guidelines. Collection method: curation. Allele origin: germline.
Comment: The RAD51C c.93delG (p.F32SfsX8) variant has been reported in heterozygosity in numerous individuals and families with breast and/or ovarian cancer (PMID: 21616938, 26681312). This variant has also been identified in at least one individual with prostate cancer (PMID: 27433846). This variant has been reported as founder mutation in the Finnish population (PMID: 21616938, 23176254). This variant causes a frameshift at amino acid 32 that results in premature termination 8 amino acids downstream. At this location, nonsense-mediated decay is predicted to occur, resulting in a loss of gene function. Loss-of-function variants in RAD51C are known to be pathogenic (PMID: 20400964). This variant was observed in 5/25114 chromosomes in the Finnish population according to the Genome Aggregation Database (PMID: 32461654). This variant has been reported in ClinVar (Variation ID: 182847). Based on the current evidence available, this variant is interpreted as pathogenic.

ARUP Laboratories, Molecular Genetics and Genomics, ARUP Laboratories
Classification: Pathogenic. Last evaluated: 2019-04-07. Review status: criteria provided, single submitter. Criteria: ARUP Molecular Germline Variant Investigation Process. Collection method: clinical testing. Allele origin: germline.
Comment: The RAD51C c.93delG; p.Phe32fs variant (rs730881942) is reported in the literature in individuals with breast and/or ovarian cancer, prostate cancer, soft tissue sarcoma, or hematologic cancer (Pelttari 2011, Pritchard 2016, Schrader 2016, Susswein 2016). This variant is reported as pathogenic by multiple laboratories in ClinVar (Variation ID: 182847). It is found in the general population with an overall allele frequency of 0.005% (13/282860 alleles) in the Genome Aggregation Database. This variant causes a frameshift by deleting a single nucleotide, so it is predicted to result in a truncated protein or mRNA subject to nonsense-mediated decay. Based on available information, this variant is considered to be pathogenic. REFERENCES Pelttari LM et al. RAD51C is a susceptibility gene for ovarian cancer. Hum Mol Genet. 2011 Aug 15;20(16):3278-88. Pritchard CC et al. Inherited DNA-Repair Gene Mutations in Men with Metastatic Prostate Cancer. N Engl J Med. 2016 Aug 4;375(5):443-53. Schrader KA et al. Germline Variants in Targeted Tumor Sequencing Using Matched Normal DNA. JAMA Oncol. 2016 Jan;2(1):104-11. Susswein LR et al. Pathogenic and likely pathogenic variant prevalence among the first 10,000 patients referred for next-generation cancer panel testing. Genet Med. 2016 Aug;18(8):823-32.

University Health Network, Familial Cancer Clinic, Princess Margaret Cancer Centre
Classification: Pathogenic for RAD51C-related cancer predisposition. Review status: criteria provided, single submitter. Criteria: ACMG Guidelines, 2015. Collection method: clinical testing. Allele origin: germline. Inheritance: Autosomal dominant inheritance. Affected: yes. Observed: 1 variant allele.

BRCAlab, Lund University
Classification: Pathogenic for Breast-ovarian cancer, familial, susceptibility to, 3. Last evaluated: 2022-08-26. Review status: no assertion criteria provided. Collection method: clinical testing. Allele origin: germline. Affected: yes. Not counted in ClinVar's aggregate classification.

Leiden Open Variation Database
Classification: Pathogenic for Ovarian cancer. Last evaluated: 2020-02-28. Review status: no assertion criteria provided. Collection method: curation. Allele origin: germline. Affected: yes. Not counted in ClinVar's aggregate classification.
Comment: Curator: Arleen D. Auerbach. Submitter to LOVD: Johan den Dunnen.

Counsyl
Classification: Pathogenic for Fanconi anemia complementation group O; Breast-ovarian cancer, familial, susceptibility to, 3. Last evaluated: 2017-06-02. Review status: no assertion criteria provided. Collection method: clinical testing. Allele origin: unknown. Not counted in ClinVar's aggregate classification.

OMIM
Classification: risk factor for BREAST-OVARIAN CANCER, FAMILIAL, SUSCEPTIBILITY TO, 3. Last evaluated: 2011-08-15. Review status: no assertion criteria provided. Collection method: literature only. Allele origin: germline. Not counted in ClinVar's aggregate classification.

Literature cited by the submitters: PubMed 34923718 (cited by Dasa); PubMed 23176254 (cited by 3 submitters); PubMed 21616938 (cited by 11 submitters); PubMed 37563628 (cited by Dasa and Color Diagnostics, LLC DBA Color Health); PubMed 21990120 (cited by Dasa and Labcorp Genetics (formerly Invitae), Labcorp); PubMed 24800917 (cited by 4 submitters); PubMed 20400964 (cited by 3 submitters); PubMed 29278735 (cited by Labcorp Genetics (formerly Invitae), Labcorp); PubMed 27433846 (cited by 7 submitters); PubMed 26681312 (cited by 4 submitters); PubMed 28802053 (cited by Ambry Genetics and Quest Diagnostics Nichols Institute San Juan Capistrano); PubMed 26556299 (cited by Women's Health and Genetics/Laboratory Corporation of America, LabCorp and Quest Diagnostics Nichols Institute San Juan Capistrano).